The following is an entry in ClinVar:

NM_004525.3(LRP2):c.10661G>A (p.Arg3554Gln)

Gene: LRP2 (LDL receptor related protein 2; minus strand). Cytogenetic location: 2q31.1.
Variant type: single nucleotide variant.
Coding change: c.10661G>A on transcript NM_004525.3 (MANE Select); coding-DNA position 10661, G replaced by A.
Protein change: p.Arg3554Gln; replaces arginine 3554 with glutamine.
Molecular consequence: missense variant.
Genome position (GRCh38, 1-based): chr2:169,175,300, C>T on the plus strand (G>A on the coding strand, the complement: LRP2 is on the minus strand). VCF-style: chr2-169175300-C-T. GRCh37 (hg19) VCF-style: chr2-170031810-C-T.
Other names: c.10661G>A (NM_004525.2); short protein forms R3554Q.
Identifiers: ClinVar variation 1050333 (VCV001050333.12), dbSNP rs139257219, ClinGen allele CA1953282.

ClinVar aggregate classification (germline): Conflicting classifications of pathogenicity. Review status: criteria provided, conflicting classifications (1 of 4 stars). 4 submissions from 4 submitters: Uncertain significance (1); Likely benign (2). 1 of the submissions does not count toward it. Last evaluated 2026-01-28.

Conditions:
Inborn genetic diseases. Identifiers: MedGen C0950123, MeSH D030342.

Allele frequency attached by ClinVar (database versions not stated): ExAC 0.00005; gnomAD exomes 0.00006; ESP Exome Variant Server 0.00008; TOPMed 0.00014; gnomAD 0.00016 and 0.00018.
gnomAD v4.1: 53 of 1,614,078 alleles (0.0033%); highest among the groups gnomAD compares: East Asian, 0.031%; no homozygotes.

Submissions (4):

Labcorp Genetics (formerly Invitae), Labcorp
Classification: Likely benign. Last evaluated: 2026-01-28. Review status: criteria provided, single submitter. Criteria: Invitae Variant Classification Sherloc (09022015). Collection method: clinical testing. Allele origin: germline.

Ambry Genetics
Classification: Uncertain significance for Inborn genetic diseases. Last evaluated: 2025-03-30. Review status: criteria provided, single submitter. Criteria: Ambry Variant Classification Scheme 2023. Collection method: clinical testing. Allele origin: germline.

Blueprint Genetics
Classification: Likely benign. Last evaluated: 2023-11-02. Review status: criteria provided, single submitter. Criteria: ACMG Guidelines, 2015. Collection method: clinical testing. Allele origin: germline.

Department of Pathology and Laboratory Medicine, Sinai Health System
Classification: Uncertain significance. Review status: no assertion criteria provided. Collection method: clinical testing. Allele origin: unknown. Affected: yes. Study: The Canadian Open Genetics Repository (COGR). Not counted in ClinVar's aggregate classification.
Comment: The LRP2 p.Arg3554Gln variant was not identified in the literature nor was it identified in the ClinVar, Clinvitae, MutDB or LOVD 3.0 databases. The variant was identified in dbSNP (ID: rs139257219) with unknown clinical significance and in Cosmic with a FATHMM classification of Neutral (score 0.07). The variant was identified in control databases in 23 of 282706 chromosomes at a frequency of 0.000081 (Genome Aggregation Database Feb 27, 2017). The variant was observed in the following populations: East Asian in 13 of 19944 chromosomes (freq: 0.000652), African in 7 of 24962 chromosomes (freq: 0.00028) and European (non-Finnish) in 3 of 129042 chromosomes (freq: 0.000023), while the variant was not observed in the Latino, Ashkenazi Jewish, European (Finnish), Other, and South Asian populations. The c.16001G>A variant occurs outside of the splicing consensus sequence and in silico or computational prediction software programs (SpliceSiteFinder, MaxEntScan, NNSPLICE, GeneSplicer) do not predict a difference in splicing. The p.Arg3554 residue is not conserved in mammals and four out of five computational analyses (SIFT, AlignGVGD, BLOSUM, MutationTaster) do not suggest a high likelihood of impact to the protein; however, this information is not predictive enough to rule out pathogenicity. In summary, based on the above information the clinical significance of this variant cannot be determined with certainty at this time. This variant is classified as a variant of uncertain significance.